The following is an entry in ClinVar:

NM_004370.6(COL12A1):c.5243C>A (p.Thr1748Lys)

Gene: COL12A1 (collagen type XII alpha 1 chain; minus strand). Cytogenetic location: 6q13.
Variant type: single nucleotide variant.
Coding change: c.5243C>A on transcript NM_004370.6 (MANE Select); coding-DNA position 5243, C replaced by A.
Protein change: p.Thr1748Lys; replaces threonine 1748 with lysine.
Molecular consequence: missense variant.
Genome position (GRCh38, 1-based): chr6:75,138,328, G>T on the plus strand (C>A on the coding strand, the complement: COL12A1 is on the minus strand). VCF-style: chr6-75138328-G-T. GRCh37 (hg19) VCF-style: chr6-75848044-G-T.
Other names: c.1751C>A, p.Thr584Lys (NM_080645.3); short protein forms T1748K, T584K.
Identifiers: ClinVar variation 1315661 (VCV001315661.2), dbSNP rs1766723774, ClinGen allele CA364738221.

ClinVar aggregate classification (germline): Uncertain significance (1 of 4 stars; one submission).

Submission:

GeneDx
Classification: Uncertain significance. Last evaluated: 2021-03-08. Review status: criteria provided, single submitter. Criteria: GeneDx Variant Classification Process June 2021. Collection method: clinical testing. Allele origin: germline. Affected: yes.
Comment: Not observed in large population cohorts (Lek et al., 2016); In silico analysis supports that this missense variant does not alter protein structure/function; Has not been previously published as pathogenic or benign to our knowledge